The following is an entry in ClinVar:

NM_001082486.2(ACD):c.452G>C (p.Cys151Ser)

Gene: ACD (ACD shelterin complex subunit and telomerase recruitment factor; minus strand). Cytogenetic location: 16q22.1.
Variant type: single nucleotide variant.
Coding change: c.452G>C on transcript NM_001082486.2 (MANE Select); coding-DNA position 452, G replaced by C.
Protein change: p.Cys151Ser; replaces cysteine 151 with serine.
Molecular consequence: missense variant.
Genome position (GRCh38, 1-based): chr16:67,659,381, C>G on the plus strand (G>C on the coding strand, the complement: ACD is on the minus strand). VCF-style: chr16-67659381-C-G. GRCh37 (hg19) VCF-style: chr16-67693284-C-G.
Other names: c.452G>C, p.Cys151Ser (NM_001410884.1); c.443G>C, p.Cys148Ser (NM_022914.3); short protein forms C148S, C151S.
Identifiers: ClinVar variation 1757218 (VCV001757218.2), dbSNP rs1310303692, ClinGen allele CA396354764.

ClinVar aggregate classification (germline): Uncertain significance (1 of 4 stars; one submission).

Conditions:
Inborn genetic diseases. Identifiers: MedGen C0950123, MeSH D030342.

Allele frequency attached by ClinVar (database versions not stated): gnomAD 0.00001.

Submission:

Ambry Genetics
Classification: Uncertain significance for Inborn genetic diseases. Last evaluated: 2022-03-31. Review status: criteria provided, single submitter. Criteria: Ambry Variant Classification Scheme 2023. Collection method: clinical testing. Allele origin: germline.
Comment: The p.C237S variant (also known as c.710G>C), located in coding exon 5 of the ACD gene, results from a G to C substitution at nucleotide position 710. The cysteine at codon 237 is replaced by serine, an amino acid with dissimilar properties. This amino acid position is conserved. In addition, this alteration is predicted to be tolerated by in silico analysis. Since supporting evidence is limited at this time, the clinical significance of this alteration remains unclear.